The following is an entry in ClinVar:

ClinVar aggregate classification (germline): Benign (1 of 4 stars; one submission).

Conditions:
Breast-ovarian cancer, familial, susceptibility to, 4. Identifiers: Orphanet 145, MedGen C3280345, MONDO:0013669, OMIM 614291.

Submission:

Myriad Genetics, Inc.
Classification: Benign for Breast-ovarian cancer, familial, susceptibility to, 4. Last evaluated: 2025-02-25. Review status: criteria provided, single submitter. Criteria: Myriad Autosomal Dominant, Autosomal Recessive and X-Linked Classification Criteria (2023). Collection method: clinical testing. Allele origin: unknown.
Comment: This variant is considered benign. This variant is a silent/synonymous amino acid change and it is not expected to impact splicing.

NM_002878.4(RAD51D):c.894T>A (p.Ser298=)

Genes: RAD51L3-RFFL (RAD51L3-RFFL readthrough; minus strand), RAD51D (RAD51 paralog D; minus strand). Cytogenetic location: 17q12.
Variant type: single nucleotide variant.
Coding change: c.894T>A on transcript NM_002878.4 (MANE Select); coding-DNA position 894, T replaced by A.
Protein change: p.Ser298=; no amino-acid change (serine 298 retained).
Molecular consequence: synonymous variant. On other transcripts: non-coding transcript variant (3).
Genome position (GRCh38, 1-based): chr17:35,101,210, A>T on the plus strand (T>A on the coding strand, the complement: RAD51D is on the minus strand). VCF-style: chr17-35101210-A-T. GRCh37 (hg19) VCF-style: chr17-33428229-A-T.
Other names: c.954T>A, p.Ser318= (NM_001142571.2); c.558T>A, p.Ser186= (NM_133629.3).
Identifiers: ClinVar variation 3903901 (VCV003903901.1).